The following is an entry in ClinVar:

NM_016628.5(WAC):c.1432C>A (p.Pro478Thr)

Gene: WAC (WW domain containing adaptor with coiled-coil; plus strand). Cytogenetic location: 10p12.1.
Variant type: single nucleotide variant.
Coding change: c.1432C>A on transcript NM_016628.5 (MANE Select); coding-DNA position 1432, C replaced by A.
Protein change: p.Pro478Thr; replaces proline 478 with threonine.
Molecular consequence: missense variant.
Genome position (GRCh38, 1-based): chr10:28,611,917, C>A. VCF-style: chr10-28611917-C-A. GRCh37 (hg19) VCF-style: chr10-28900846-C-A.
Other names: c.1297C>A, p.Pro433Thr (NM_100264.3); c.1123C>A, p.Pro375Thr (NM_100486.4); short protein forms P375T, P433T, P478T.
Identifiers: ClinVar variation 727616 (VCV000727616.29), dbSNP rs2232793, ClinGen allele CA5455044.
Genomic context (GRCh38, chr10:28,611,917, plus strand): 5'-CCTCAAACTAACACAGTCCCTATCAAACCTTTGATCAGTACTCCTCCTGTTTCATCACAG[C>A]CAAAGGTATGTCACCTTTGAGGGACATTCGGAAAAGAAACTACTTACTTTTGGAAAGTCA-3'
Protein context (NP_057712.2, residues 468-488): LISTPPVSSQ[Pro478Thr]KVSTPVVKQG

ClinVar aggregate classification (germline): Benign/Likely benign. Review status: criteria provided, multiple submitters, no conflicts (2 of 4 stars). 3 submissions from 3 submitters: Benign (1); Likely benign (2). Last evaluated 2023-04-01.

Allele frequency attached by ClinVar (database versions not stated): gnomAD exomes 0.00015 and 0.00079; gnomAD 0.00025 and 0.00034; TOPMed 0.00032; ExAC 0.00064; 1000 Genomes Project 30x 0.00172; 1000 Genomes Project 0.00200.
gnomAD v4.1: 294 of 1,612,240 alleles (0.018%); highest among the groups gnomAD compares: East Asian, 0.56%; 1 homozygote.

Submissions (3):

CeGaT Center for Human Genetics Tuebingen
Classification: Likely benign. Last evaluated: 2023-04-01. Review status: criteria provided, single submitter. Criteria: CeGaT Center For Human Genetics Tuebingen Variant Classification Criteria Version 2. Collection method: clinical testing. Allele origin: germline. Affected: yes. Observed: 1 variant allele.
Comment: WAC: BS1

GeneDx
Classification: Likely benign. Last evaluated: 2020-03-01. Review status: criteria provided, single submitter. Criteria: GeneDx Variant Classification Process June 2021. Collection method: clinical testing. Allele origin: germline. Affected: yes.

Labcorp Genetics (formerly Invitae), Labcorp
Classification: Benign. Last evaluated: 2018-09-19. Review status: criteria provided, single submitter. Criteria: Invitae Variant Classification Sherloc (09022015). Collection method: clinical testing. Allele origin: germline.